The following is an entry in ClinVar:

NM_020937.4(FANCM):c.2783A>G (p.Gln928Arg)

Gene: FANCM (FA complementation group M; plus strand). Cytogenetic location: 14q21.2.
Variant type: single nucleotide variant.
Coding change: c.2783A>G on transcript NM_020937.4 (MANE Select); coding-DNA position 2783, A replaced by G.
Protein change: p.Gln928Arg; replaces glutamine 928 with arginine.
Molecular consequence: missense variant.
Genome position (GRCh38, 1-based): chr14:45,175,537, A>G. VCF-style: chr14-45175537-A-G. GRCh37 (hg19) VCF-style: chr14-45644740-A-G.
Other names: c.2705A>G, p.Gln902Arg (NM_001308133.2); short protein forms Q902R, Q928R.
Identifiers: ClinVar variation 4826020 (VCV004826020.1).
Genomic context (GRCh38, chr14:45,175,537, plus strand): 5'-CCACATGTACTATTAATGAAAATGTTATTAAAGAACCGTGTGTGTTATTAACAGAGTGTC[A>G]GTTTACAAATAAATCCACTAGTTCACTTGCTGGAAATGTTTTAGATTCTGGTTATAACAG-3'
Protein context (NP_065988.1, residues 918-938): KEPCVLLTEC[Gln928Arg]FTNKSTSSLA

ClinVar aggregate classification (germline): Uncertain significance (1 of 4 stars; one submission).

Conditions:
Inborn genetic diseases. Identifiers: MedGen C0950123, MeSH D030342.

Submission:

Ambry Genetics
Classification: Uncertain significance for Inborn genetic diseases. Last evaluated: 2026-03-08. Review status: criteria provided, single submitter. Criteria: Ambry Variant Classification Scheme 2023. Collection method: clinical testing. Allele origin: germline.
Comment: The p.Q928R variant (also known as c.2783A>G), located in coding exon 14 of the FANCM gene, results from an A to G substitution at nucleotide position 2783. The glutamine at codon 928 is replaced by arginine, an amino acid with highly similar properties. This amino acid position is conserved. In addition, this alteration is predicted to be tolerated by in silico analysis. Based on the available evidence, the clinical significance of this variant remains unclear.